The following is an entry in ClinVar:

NM_015338.6(ASXL1):c.1237C>T (p.Arg413Trp)

Gene: ASXL1 (ASXL transcriptional regulator 1; plus strand). Cytogenetic location: 20q11.21.
Variant type: single nucleotide variant.
Coding change: c.1237C>T on transcript NM_015338.6 (MANE Select); coding-DNA position 1237, C replaced by T.
Protein change: p.Arg413Trp; replaces arginine 413 with tryptophan.
Molecular consequence: missense variant.
Genome position (GRCh38, 1-based): chr20:32,433,435, C>T. VCF-style: chr20-32433435-C-T. GRCh37 (hg19) VCF-style: chr20-31021238-C-T.
Other names: c.1054C>T, p.Arg352Trp (NM_001363734.1); short protein forms R413W, R352W.
Identifiers: ClinVar variation 3004652 (VCV003004652.3), dbSNP rs1272820357, ClinGen allele CA408556147.

ClinVar aggregate classification (germline): Conflicting classifications of pathogenicity. Review status: criteria provided, conflicting classifications (1 of 4 stars). 2 submissions from 2 submitters: Uncertain significance (1); Likely benign (1). Last evaluated 2024-11-23.

Conditions:
Inborn genetic diseases. Identifiers: MedGen C0950123, MeSH D030342.

Allele frequency attached by ClinVar (database versions not stated): TOPMed below 0.00001; gnomAD 0.00001; gnomAD exomes 0.00001.
gnomAD v4.1: 15 of 1,614,042 alleles (0.00093%); highest among the groups gnomAD compares: South Asian, 0.0077%; no homozygotes.

Submissions (2):

Ambry Genetics
Classification: Likely benign for Inborn genetic diseases. Last evaluated: 2024-11-23. Review status: criteria provided, single submitter. Criteria: Ambry Variant Classification Scheme 2023. Collection method: clinical testing. Allele origin: germline.

Labcorp Genetics (formerly Invitae), Labcorp
Classification: Uncertain significance. Last evaluated: 2023-05-23. Review status: criteria provided, single submitter. Criteria: Invitae Variant Classification Sherloc (09022015). Collection method: clinical testing. Allele origin: germline.
Comment: This sequence change replaces arginine, which is basic and polar, with tryptophan, which is neutral and slightly polar, at codon 413 of the ASXL1 protein (p.Arg413Trp). In summary, the available evidence is currently insufficient to determine the role of this variant in disease. Therefore, it has been classified as a Variant of Uncertain Significance. An algorithm developed to predict the effect of missense changes on protein structure and function (PolyPhen-2) suggests that this variant is likely to be disruptive. This variant has not been reported in the literature in individuals affected with ASXL1-related conditions. This variant is present in population databases (no rsID available, gnomAD 0.006%).